The following is an entry in ClinVar:

ClinVar aggregate classification (germline): Uncertain significance (1 of 4 stars; one submission).

Conditions:
Candidiasis, familial, 9 (CANDF9). Identifiers: Orphanet 1334, MedGen C4225324, MONDO:0014642, OMIM 616445.

Allele frequency attached by ClinVar (database versions not stated): gnomAD exomes 0.00001.
gnomAD v4.1: 9 of 1,614,206 alleles (0.00056%); highest among the groups gnomAD compares: Non-Finnish European, 0.00076%; no homozygotes.

Submission:

Labcorp Genetics (formerly Invitae), Labcorp
Classification: Uncertain significance for Candidiasis, familial, 9. Last evaluated: 2022-07-24. Review status: criteria provided, single submitter. Criteria: Invitae Variant Classification Sherloc (09022015). Collection method: clinical testing. Allele origin: germline.
Comment: In summary, the available evidence is currently insufficient to determine the role of this variant in disease. Therefore, it has been classified as a Variant of Uncertain Significance. Algorithms developed to predict the effect of missense changes on protein structure and function are either unavailable or do not agree on the potential impact of this missense change (SIFT: "Deleterious"; PolyPhen-2: "Probably Damaging"; Align-GVGD: "Class C0"). This variant has not been reported in the literature in individuals affected with IL17RC-related conditions. This variant is not present in population databases (gnomAD no frequency). This sequence change replaces cysteine, which is neutral and slightly polar, with tyrosine, which is neutral and polar, at codon 208 of the IL17RC protein (p.Cys208Tyr).

NM_153460.4(IL17RC):c.410G>A (p.Cys137Tyr)

Gene: IL17RC (interleukin 17 receptor C; plus strand). Cytogenetic location: 3p25.3.
Variant type: single nucleotide variant.
Coding change: c.410G>A on transcript NM_153460.4 (MANE Select); coding-DNA position 410, G replaced by A.
Protein change: p.Cys137Tyr; replaces cysteine 137 with tyrosine.
Molecular consequence: missense variant. On other transcripts: non-coding transcript variant (1).
Genome position (GRCh38, 1-based): chr3:9,918,554, G>A. VCF-style: chr3-9918554-G-A. GRCh37 (hg19) VCF-style: chr3-9960238-G-A.
Other names: c.410G>A, p.Cys137Tyr (NM_001367278.1, NM_001367280.1, NM_001410711.1 and 4 more transcripts); c.335G>A, p.Cys112Tyr (NM_001367279.1); c.623G>A, p.Cys208Tyr (NM_153461.4); short protein forms C112Y, C137Y, C208Y.
Identifiers: ClinVar variation 1713692 (VCV001713692.5), dbSNP rs2470104502, ClinGen allele CA351755997.